The following is an entry in ClinVar:

NM_182641.4(BPTF):c.1355A>G (p.Asn452Ser)

Gene: BPTF (bromodomain PHD finger transcription factor; plus strand). Cytogenetic location: 17q24.2.
Variant type: single nucleotide variant.
Coding change: c.1355A>G on transcript NM_182641.4 (MANE Select); coding-DNA position 1355, A replaced by G.
Protein change: p.Asn452Ser; replaces asparagine 452 with serine.
Molecular consequence: missense variant.
Genome position (GRCh38, 1-based): chr17:67,854,681, A>G. VCF-style: chr17-67854681-A-G. GRCh37 (hg19) VCF-style: chr17-65850797-A-G.
Other names: c.1355A>G (NM_182641.3); c.1355A>G, p.Asn452Ser (NM_004459.7); short protein forms N452S.
Identifiers: ClinVar variation 1028250 (VCV001028250.2), dbSNP rs749559945, ClinGen allele CA8725117.

ClinVar aggregate classification (germline): Uncertain significance. Review status: criteria provided, multiple submitters, no conflicts (2 of 4 stars). 2 submissions from 2 submitters: Uncertain significance (2). Last evaluated 2025-05-23.

Conditions:
Neurodevelopmental disorder with dysmorphic facies and distal limb anomalies. Identifiers: Orphanet 686482, MedGen C4540327, MONDO:0060596, OMIM 617755.
Inborn genetic diseases. Identifiers: MedGen C0950123, MeSH D030342.

Allele frequency attached by ClinVar (database versions not stated): gnomAD exomes below 0.00001; ExAC 0.00001.
gnomAD v4.1: 2 of 1,614,260 alleles (0.00012%); highest among the groups gnomAD compares: East Asian, 0.0022%; no homozygotes.

Submissions (2):

Ambry Genetics
Classification: Uncertain significance for Inborn genetic diseases. Last evaluated: 2025-05-23. Review status: criteria provided, single submitter. Criteria: Ambry Variant Classification Scheme 2023. Collection method: clinical testing. Allele origin: germline.

Baylor Genetics
Classification: Uncertain significance for Neurodevelopmental disorder with dysmorphic facies and distal limb anomalies. Last evaluated: 2019-06-14. Review status: criteria provided, single submitter. Criteria: ACMG Guidelines, 2015. Collection method: clinical testing. Allele origin: unknown. Affected: yes.
Comment: This variant was determined to be of uncertain significance according to ACMG Guidelines, 2015 [PMID:25741868].